The following is an entry in ClinVar:

ClinVar aggregate classification (germline): Conflicting classifications of pathogenicity. Review status: criteria provided, conflicting classifications (1 of 4 stars). 7 submissions from 7 submitters: Uncertain significance (4); Likely benign (3). Last evaluated 2025-04-30.

Conditions:
Autosomal recessive limb-girdle muscular dystrophy type 2J (LGMDR10). Also called: MUSCULAR DYSTROPHY, LIMB-GIRDLE, AUTOSOMAL RECESSIVE 10; Limb-girdle muscular dystrophy, type 2J. Identifiers: Orphanet 140922, MedGen C1837342, MONDO:0012127, OMIM 608807.
Dilated cardiomyopathy 1G (CMD1G). Identifiers: Orphanet 154, MedGen C1858763, MONDO:0011400, OMIM 604145.
Cardiovascular phenotype. Identifiers: MedGen CN230736.

Allele frequency attached by ClinVar (database versions not stated): gnomAD 0.00003; TOPMed 0.00003; ESP Exome Variant Server 0.00017.
gnomAD v4.1: 53 of 1,611,158 alleles (0.0033%); highest among the groups gnomAD compares: Admixed American, 0.0067%; no homozygotes.

Submissions (7):

Mayo Clinic Laboratories, Mayo Clinic
Classification: Uncertain significance. Last evaluated: 2025-04-30. Review status: criteria provided, single submitter. Criteria: ACMG Guidelines, 2015. Collection method: clinical testing. Allele origin: germline. Observed: 1 variant allele.
Comment: BP4_moderate

Molecular Diagnostic Laboratory for Inherited Cardiovascular Disease, Montreal Heart Institute
Classification: Likely benign. Last evaluated: 2025-04-09. Review status: criteria provided, single submitter. Criteria: ACMG Guidelines, 2015. Collection method: clinical testing. Allele origin: germline. Affected: no.

Blueprint Genetics
Classification: Likely benign. Last evaluated: 2024-03-08. Review status: criteria provided, single submitter. Criteria: ACMG Guidelines, 2015. Collection method: clinical testing. Allele origin: germline.

GeneDx
Classification: Likely benign. Last evaluated: 2018-08-17. Review status: criteria provided, single submitter. Criteria: GeneDx Variant Classification Process June 2021. Collection method: clinical testing. Allele origin: germline. Affected: yes.

Ambry Genetics
Classification: Uncertain significance for Cardiovascular phenotype. Last evaluated: 2018-04-12. Review status: criteria provided, single submitter. Criteria: Ambry Variant Classification Scheme 2023. Collection method: clinical testing. Allele origin: germline.
Comment: The p.I9922T variant (also known as c.29765T>C), located in coding exon 118 of the TTN gene, results from a T to C substitution at nucleotide position 29765. The isoleucine at codon 9922 is replaced by threonine, an amino acid with similar properties. This amino acid position is not well conserved in available vertebrate species, and threonine is the reference amino acid in other vertebrate species. In addition, this alteration is predicted to be tolerated by in silico analysis. Since supporting evidence is limited at this time, the clinical significance of this alteration remains unclear.

Labcorp Genetics (formerly Invitae), Labcorp
Classification: Uncertain significance for Dilated cardiomyopathy 1G; Autosomal recessive limb-girdle muscular dystrophy type 2J. Last evaluated: 2017-06-09. Review status: criteria provided, single submitter. Criteria: Invitae Variant Classification Sherloc (09022015). Collection method: clinical testing. Allele origin: germline.

Eurofins Ntd Llc (ga)
Classification: Uncertain significance. Last evaluated: 2017-06-07. Review status: criteria provided, single submitter. Criteria: EGL Classification Definitions 2015. Collection method: clinical testing. Allele origin: germline. Observed: 1 variant allele, 1 heterozygote.

NM_001267550.2(TTN):c.56960T>C (p.Ile18987Thr)

Genes: TTN (titin; minus strand), TTN-AS1 (TTN antisense RNA 1; plus strand). Cytogenetic location: 2q31.2.
Variant type: single nucleotide variant.
Coding change: c.56960T>C on transcript NM_001267550.2 (MANE Select); coding-DNA position 56960, T replaced by C.
Protein change: p.Ile18987Thr; replaces isoleucine 18987 with threonine.
Molecular consequence: missense variant.
Genome position (GRCh38, 1-based): chr2:178,598,750, A>G on the plus strand (T>C on the coding strand, the complement: TTN is on the minus strand). VCF-style: chr2-178598750-A-G. GRCh37 (hg19) VCF-style: chr2-179463477-A-G.
Other names: p.Ile16419Thr; c.52037T>C, p.Ile17346Thr (NM_001256850.1); c.29765T>C, p.Ile9922Thr (NM_003319.4); c.49256T>C, p.Ile16419Thr (NM_133378.4); c.30140T>C, p.Ile10047Thr (NM_133432.3); c.30341T>C, p.Ile10114Thr (NM_133437.4); short protein forms I18987T, I16419T, I10047T, I10114T, I9922T, I17346T.
Identifiers: ClinVar variation 467295 (VCV000467295.17), dbSNP rs373351577, ClinGen allele CA1993148.